The following is an entry in ClinVar:

ClinVar aggregate classification (germline): Benign/Likely benign. Review status: criteria provided, multiple submitters, no conflicts (2 of 4 stars). 2 submissions from 2 submitters: Benign (1); Likely benign (1). Last evaluated 2025-05-15.

Conditions:
SETX-related disorder. Also called: SETX-related condition; SETX-related disorders. Identifiers: MedGen CN239403.
Amyotrophic lateral sclerosis type 4 (ALS4). Also called: AMYOTROPHIC LATERAL SCLEROSIS 4, JUVENILE; NEURONOPATHY, DISTAL HEREDITARY MOTOR, WITH PYRAMIDAL FEATURES. Identifiers: Orphanet 357043, MedGen C1865409, MONDO:0011223, OMIM 602433.
Spinocerebellar ataxia, autosomal recessive, with axonal neuropathy 2 (SCAN2). Also called: Ataxia with Oculomotor Apraxia Type 2; ATAXIA-OCULOMOTOR APRAXIA 2; Ataxia-ocular apraxia-2; Ataxia with Oculomotor Apraxia. Identifiers: Orphanet 64753, MedGen C1853761, MONDO:0018996, OMIM 606002.

gnomAD v4.1: 7 of 1,613,914 alleles (0.00043%); highest among the groups gnomAD compares: African/African-American, 0.0093%; no homozygotes.

Submissions (2):

PreventionGenetics, part of Exact Sciences
Classification: Likely benign for SETX-related condition. Last evaluated: 2025-05-15. Review status: criteria provided, single submitter. Criteria: ACMG Guidelines, 2015. Collection method: clinical testing. Allele origin: germline.
Comment: This variant is classified as likely benign based on ACMG/AMP sequence variant interpretation guidelines (Richards et al. 2015 PMID: 25741868, with internal and published modifications).

Labcorp Genetics (formerly Invitae), Labcorp
Classification: Benign for Amyotrophic lateral sclerosis type 4; Spinocerebellar ataxia, autosomal recessive, with axonal neuropathy 2. Last evaluated: 2024-05-10. Review status: criteria provided, single submitter. Criteria: Invitae Variant Classification Sherloc (09022015). Collection method: clinical testing. Allele origin: germline.

NM_015046.7(SETX):c.6048C>G (p.Leu2016=)

Gene: SETX (senataxin; minus strand). Cytogenetic location: 9q34.13.
Variant type: single nucleotide variant.
Coding change: c.6048C>G on transcript NM_015046.7 (MANE Select); coding-DNA position 6048, C replaced by G.
Protein change: p.Leu2016=; no amino-acid change (leucine 2016 retained).
Molecular consequence: synonymous variant.
Genome position (GRCh38, 1-based): chr9:132,295,930, G>C on the plus strand (C>G on the coding strand, the complement: SETX is on the minus strand). VCF-style: chr9-132295930-G-C. GRCh37 (hg19) VCF-style: chr9-135171317-G-C.
Other names: c.6048C>G, p.Leu2016= (NM_001351527.2, NM_001351528.2).
Identifiers: ClinVar variation 3760950 (VCV003760950.3).